The following is an entry in ClinVar:

ClinVar aggregate classification (germline): Uncertain significance. Review status: criteria provided, multiple submitters, no conflicts (2 of 4 stars). 2 submissions from 2 submitters: Uncertain significance (2). Last evaluated 2025-04-16.

Conditions:
Inborn genetic diseases. Identifiers: MedGen C0950123, MeSH D030342.

Allele frequency attached by ClinVar (database versions not stated): gnomAD exomes below 0.00001.
gnomAD v4.1: 2 of 1,610,966 alleles (0.00012%); highest among the groups gnomAD compares: Non-Finnish European, 0.00017%; no homozygotes.

Submissions (2):

Ambry Genetics
Classification: Uncertain significance for Inborn genetic diseases. Last evaluated: 2025-04-16. Review status: criteria provided, single submitter. Criteria: Ambry Variant Classification Scheme 2023. Collection method: clinical testing. Allele origin: germline.

Centre of Medical Genetics, University Hospital Muenster
Classification: Uncertain significance. Last evaluated: 2022-04-27. Review status: criteria provided, single submitter. Criteria: ACMG Guidelines, 2015. Collection method: clinical testing. Allele origin: unknown. Affected: yes. Observed: 1 variant allele, 1 heterozygote.
Comment: ACMG categories: PM1,PM2,PP3,BP1

NM_020699.4(GATAD2B):c.484C>T (p.Arg162Trp)

Gene: GATAD2B (GATA zinc finger domain containing 2B; minus strand). Cytogenetic location: 1q21.3.
Variant type: single nucleotide variant.
Coding change: c.484C>T on transcript NM_020699.4 (MANE Select); coding-DNA position 484, C replaced by T.
Protein change: p.Arg162Trp; replaces arginine 162 with tryptophan.
Molecular consequence: missense variant.
Genome position (GRCh38, 1-based): chr1:153,818,904, G>A on the plus strand (C>T on the coding strand, the complement: GATAD2B is on the minus strand). VCF-style: chr1-153818904-G-A. GRCh37 (hg19) VCF-style: chr1-153791380-G-A.
Other names: c.484C>T (NM_020699.2); short protein forms R162W.
Identifiers: ClinVar variation 1691548 (VCV001691548.4), dbSNP rs2101882386, ClinGen allele CA342533235.
Genomic context (GRCh38, chr1:153,818,904, plus strand): 5'-GGACCAGTCGGGCTTCTTCCAATCGTAGCTCATCCCTCAGCTGCTTGATAAGCTGCTGCC[G>A]CTCCTCAATGCCTTTCCCCTAAGGAAACAAGAAGACTTTCAGCTATGGCAGCAAGGTACC-3'
Protein context (NP_065750.1, residues 152-172): EMFKGKGIEE[Arg162Trp]QQLIKQLRDE